The following is an entry in ClinVar:

ClinVar aggregate classification (germline): Uncertain significance (1 of 4 stars; one submission).

Conditions:
Intellectual developmental disorder, X-linked 114. Identifiers: MedGen C5974891, MONDO:0975828, OMIM 301134.

Submission:

Victorian Clinical Genetics Services, Murdoch Childrens Research Institute
Classification: Uncertain significance for Intellectual developmental disorder, X-linked 114. Last evaluated: 2026-01-28. Review status: criteria provided, single submitter. Criteria: ACMG Guidelines, 2015. Collection method: clinical testing. Allele origin: germline. Affected: yes.
Comment: This variant is classified as VUS-3A. Evidence in support of pathogenic classification: Canonical splice site variant without proven consequence on splicing (no functional evidence available); Variant is absent from gnomAD (v2, v3 and v4); This variant has limited previous evidence of pathogenicity in an unrelated individual(s). This variant has been reported in the literature in an individual with what is considered to be digenic SRPK3- and TTN-related myopathy (PMID: 38429495). Abnormal splicing is predicted by in silico tool and affected nucleotide is highly conserved. Additional information: This variant is hemizygous; This gene is associated with X-linked disease. In addition, digenic inheritance involving the TTN gene is associated with congenital myopathy (PMID: 38429495); No published segregation evidence has been identified for this variant; No published functional evidence has been identified for this variant; No comparable splice variants have previous evidence for pathogenicity; Loss of function is a known mechanism of disease in this gene; it is associated with myopathy (MONDO:0005336), digenic SRPK3- and TTN-related, and is likely the mechanism associated with intellectual developmental disorder, X-linked 114 (MIM#301134).

Literature cited by the submitters: PubMed 38429495.

NM_014370.4(SRPK3):c.1519+1G>A

Gene: SRPK3 (SRSF protein kinase 3; plus strand). Cytogenetic location: Xq28.
Variant type: single nucleotide variant.
Coding change: c.1519+1G>A on transcript NM_014370.4 (MANE Select); the canonical splice donor site of the intron after coding-DNA position 1519, G replaced by A.
Molecular consequence: splice donor variant.
Genome position (GRCh38, 1-based): chrX:153,785,174, G>A. VCF-style: chrX-153785174-G-A. GRCh37 (hg19) VCF-style: chrX-153050629-G-A.
Other names: c.1516+1G>A (NM_001170760.2); c.1417+1G>A (NM_001170761.2).
Identifiers: ClinVar variation 4532166 (VCV004532166.2).